The following is an entry in ClinVar:

ClinVar aggregate classification (germline): Uncertain significance (1 of 4 stars; one submission).

Conditions:
Cardiovascular phenotype. Identifiers: MedGen CN230736.

Submission:

Ambry Genetics
Classification: Uncertain significance for Cardiovascular phenotype. Last evaluated: 2024-01-08. Review status: criteria provided, single submitter. Criteria: Ambry Variant Classification Scheme 2023. Collection method: clinical testing. Allele origin: germline.
Comment: The p.I220V variant (also known as c.658A>G), located in coding exon 5 of the TBX20 gene, results from an A to G substitution at nucleotide position 658. The isoleucine at codon 220 is replaced by valine, an amino acid with highly similar properties. This amino acid position is highly conserved in available vertebrate species. In addition, the in silico prediction for this alteration is inconclusive. Since supporting evidence is limited at this time, the clinical significance of this alteration remains unclear.

NM_001077653.2(TBX20):c.658A>G (p.Ile220Val)

Gene: TBX20 (T-box transcription factor 20; minus strand). Cytogenetic location: 7p14.2.
Variant type: single nucleotide variant.
Coding change: c.658A>G on transcript NM_001077653.2 (MANE Select); coding-DNA position 658, A replaced by G.
Protein change: p.Ile220Val; replaces isoleucine 220 with valine.
Molecular consequence: missense variant.
Genome position (GRCh38, 1-based): chr7:35,241,034, T>C on the plus strand (A>G on the coding strand, the complement: TBX20 is on the minus strand). VCF-style: chr7-35241034-T-C. GRCh37 (hg19) VCF-style: chr7-35280646-T-C.
Other names: c.658A>G, p.Ile220Val (NM_001166220.1); short protein forms I220V.
Identifiers: ClinVar variation 3232615 (VCV003232615.1), dbSNP rs2546993260, ClinGen allele CA367264236.
Genomic context (GRCh38, chr7:35,241,034, plus strand): 5'-TGTGGTCTTTCTTCTTAATGATGTGCACCCTTGGCTGGTACTTATGCATTGAGTTCAAAA[T>C]TATCTACAACAAAAAGATGGGAAGTACTGAATTTTACATACTTATACTGCTAAACAGGCC-3'
Protein context (NP_001071121.1, residues 210-230): NNELDQHGHI[Ile220Val]LNSMHKYQPR